The following is an entry in ClinVar:

NM_014714.4(IFT140):c.882C>T (p.Ala294=)

Genes: IFT140 (intraflagellar transport 140; minus strand), LOC105371046 (uncharacterized LOC105371046; plus strand). Cytogenetic location: 16p13.3.
Variant type: single nucleotide variant.
Coding change: c.882C>T on transcript NM_014714.4 (MANE Select); coding-DNA position 882, C replaced by T.
Protein change: p.Ala294=; no amino-acid change (alanine 294 retained).
Molecular consequence: synonymous variant.
Genome position (GRCh38, 1-based): chr16:1,587,953, G>A on the plus strand (C>T on the coding strand, the complement: IFT140 is on the minus strand). VCF-style: chr16-1587953-G-A. GRCh37 (hg19) VCF-style: chr16-1637954-G-A.
Other names: c.882C>T (NM_014714.3).
Identifiers: ClinVar variation 1128218 (VCV001128218.11), dbSNP rs768675467, ClinGen allele CA7814522.

ClinVar aggregate classification (germline): Likely benign. Review status: criteria provided, multiple submitters, no conflicts (2 of 4 stars). 3 submissions from 3 submitters: Likely benign (3). Last evaluated 2026-01-26.

Conditions:
Saldino-Mainzer syndrome (SRTD9). Also called: CONORENAL SYNDROME; SHORT-RIB THORACIC DYSPLASIA 9 WITHOUT POLYDACTYLY; short-rib thoracic dysplasia 9 with or without polydactyly; Renal dysplasia, retinal pigmentary dystrophy, cerebellar ataxia and skeletal dysplasia. Identifiers: Orphanet 140969, MedGen C1849437, MONDO:0009964, OMIM 266920.
IFT140-related disorder. Also called: IFT140-related condition.

Allele frequency attached by ClinVar (database versions not stated): ExAC 0.00001; gnomAD exomes 0.00001; gnomAD 0.00002.
gnomAD v4.1: 30 of 1,612,680 alleles (0.0019%); highest among the groups gnomAD compares: Middle Eastern, 0.016%; no homozygotes.

Submissions (3):

Labcorp Genetics (formerly Invitae), Labcorp
Classification: Likely benign for Saldino-Mainzer syndrome. Last evaluated: 2026-01-26. Review status: criteria provided, single submitter. Criteria: Invitae Variant Classification Sherloc (09022015). Collection method: clinical testing. Allele origin: germline.

PreventionGenetics, part of Exact Sciences
Classification: Likely benign for IFT140-related condition. Last evaluated: 2025-09-04. Review status: criteria provided, single submitter. Criteria: ACMG Guidelines, 2015. Collection method: clinical testing. Allele origin: germline.
Comment: This variant is classified as likely benign based on ACMG/AMP sequence variant interpretation guidelines (Richards et al. 2015 PMID: 25741868, with internal and published modifications).

Blueprint Genetics
Classification: Likely benign. Last evaluated: 2022-08-13. Review status: criteria provided, single submitter. Criteria: ACMG Guidelines, 2015. Collection method: clinical testing. Allele origin: germline.